The following is an entry in ClinVar:

NM_002582.4(PARN):c.1481-1G>A

Gene: PARN (poly(A)-specific ribonuclease; minus strand). Cytogenetic location: 16p13.12.
Variant type: single nucleotide variant.
Coding change: c.1481-1G>A on transcript NM_002582.4 (MANE Select); the canonical splice acceptor site of the intron before coding-DNA position 1481, G replaced by A.
Molecular consequence: splice acceptor variant.
Genome position (GRCh38, 1-based): chr16:14,482,828, C>T on the plus strand (G>A on the coding strand, the complement: PARN is on the minus strand). VCF-style: chr16-14482828-C-T. GRCh37 (hg19) VCF-style: chr16-14576685-C-T.
Other names: c.1298-1G>A (NM_001134477.3); c.1343-1G>A (NM_001242992.2).
Identifiers: ClinVar variation 2942751 (VCV002942751.5), dbSNP rs1412358291, ClinGen allele CA395183735.

ClinVar aggregate classification (germline): Pathogenic/Likely pathogenic. Review status: criteria provided, multiple submitters, no conflicts (2 of 4 stars). 2 submissions from 2 submitters: Pathogenic (1); Likely pathogenic (1). Last evaluated 2024-04-03.

Conditions:
Pulmonary fibrosis and/or bone marrow failure, Telomere-related, 4. Also called: PULMONARY FIBROSIS AND/OR BONE MARROW FAILURE SYNDROME, TELOMERE-RELATED, 4. Identifiers: Orphanet 2032, MedGen C4225347, MONDO:0014612, OMIM 616371.
Dyskeratosis congenita, autosomal recessive 6 (DKCB6). Identifiers: MedGen C4225356, MONDO:0014600, OMIM 616353.
Pulmonary fibrosis. Identifiers: MedGen C0034069, MONDO:0002771, HP:0002206.

Allele frequency attached by ClinVar (database versions not stated): TOPMed below 0.00001.
gnomAD v4.1: 1 of 1,590,558 alleles (0.000063%); highest among the groups gnomAD compares: Non-Finnish European, 0.000085%; no homozygotes.

Submissions (3):

Labcorp Genetics (formerly Invitae), Labcorp
Classification: Likely pathogenic for Dyskeratosis congenita, autosomal recessive 6; Pulmonary fibrosis and/or bone marrow failure, Telomere-related, 4. Last evaluated: 2024-04-03. Review status: criteria provided, single submitter. Criteria: Invitae Variant Classification Sherloc (09022015). Collection method: clinical testing. Allele origin: germline.
Comment: This sequence change affects an acceptor splice site in intron 21 of the PARN gene. It is expected to disrupt RNA splicing. Variants that disrupt the donor or acceptor splice site typically lead to a loss of protein function (PMID: 16199547), and loss-of-function variants in PARN are known to be pathogenic (PMID: 9736620, 25848748, 26810774). The frequency data for this variant in the population databases is considered unreliable, as metrics indicate poor data quality at this position in the gnomAD database. This variant has not been reported in the literature in individuals affected with PARN-related conditions. Algorithms developed to predict the effect of sequence changes on RNA splicing suggest that this variant may disrupt the consensus splice site. In summary, the currently available evidence indicates that the variant is pathogenic, but additional data are needed to prove that conclusively. Therefore, this variant has been classified as Likely Pathogenic.

Cambridge Genomics Laboratory, East Genomic Laboratory Hub, NHS Genomic Medicine Service
Classification: Pathogenic for Pulmonary fibrosis. Last evaluated: 2019-04-04. Review status: criteria provided, single submitter. Criteria: ACGS Best Practice Guidelines for Variant Classification in Rare Disease 2020. Collection method: clinical testing. Allele origin: germline. Affected: yes. Observed: 1 variant allele.

Dr. Peter K. Rogan Lab, Western University
No classification provided (evidence only). Condition: Melanoma. Review status: no classification provided. Collection method: in vitro. Allele origin: not applicable. Functional consequence: skipped exon. Not counted in ClinVar's aggregate classification.

Literature cited by the submitters: PubMed 16199547 (cited by Labcorp Genetics (formerly Invitae), Labcorp); PubMed 9736620 (cited by Labcorp Genetics (formerly Invitae), Labcorp); PubMed 25848748 (cited by Labcorp Genetics (formerly Invitae), Labcorp); PubMed 26810774 (cited by Labcorp Genetics (formerly Invitae), Labcorp).